The following is an entry in ClinVar:

NM_138348.6(OTULIN):c.1026C>G (p.Ile342Met)

Gene: OTULIN (OTU deubiquitinase with linear linkage specificity; plus strand). Cytogenetic location: 5p15.2.
Variant type: single nucleotide variant.
Coding change: c.1026C>G on transcript NM_138348.6 (MANE Select); coding-DNA position 1026, C replaced by G.
Protein change: p.Ile342Met; replaces isoleucine 342 with methionine.
Molecular consequence: missense variant.
Genome position (GRCh38, 1-based): chr5:14,693,015, C>G. VCF-style: chr5-14693015-C-G. GRCh37 (hg19) VCF-style: chr5-14693124-C-G.
Other names: p.Ile342Met; short protein forms I342M.
Identifiers: ClinVar variation 4541035 (VCV004541035.1).

ClinVar aggregate classification (germline): Uncertain significance (1 of 4 stars; one submission).

gnomAD v4.1: 4 of 1,613,848 alleles (0.00025%); highest among the groups gnomAD compares: Non-Finnish European, 0.00034%; no homozygotes.

Submission:

Mayo Clinic Laboratories, Mayo Clinic
Classification: Uncertain significance. Last evaluated: 2025-07-29. Review status: criteria provided, single submitter. Criteria: ACMG Guidelines, 2015. Collection method: clinical testing. Allele origin: germline. Observed: 1 variant allele.
Comment: BP4_moderate, PM2_supporting